The following is an entry in ClinVar:

ClinVar aggregate classification (germline): Uncertain significance (1 of 4 stars; one submission).

Conditions:
Hereditary cancer-predisposing syndrome. Also called: Neoplastic Syndromes, Hereditary; Tumor predisposition; Hereditary Cancer Syndrome; Hereditary neoplastic syndrome. Identifiers: Orphanet 140162, MedGen C0027672, MeSH D009386, MONDO:0015356.

Submission:

Ambry Genetics
Classification: Uncertain significance for Hereditary cancer-predisposing syndrome. Last evaluated: 2026-06-12. Review status: criteria provided, single submitter. Criteria: Ambry Variant Classification Scheme 2023. Collection method: clinical testing. Allele origin: germline.
Comment: The p.Q406H variant (also known as c.1218A>T), located in coding exon 14 of the CDC73 gene, results from an A to T substitution at nucleotide position 1218. The glutamine at codon 406 is replaced by histidine, an amino acid with highly similar properties. This amino acid position is conserved. In addition, the in silico prediction for this alteration is inconclusive. Based on the available evidence, the clinical significance of this variant remains unclear.

NM_024529.5(CDC73):c.1218A>T (p.Gln406His)

Gene: CDC73 (cell division cycle 73; plus strand). Cytogenetic location: 1q31.2.
Variant type: single nucleotide variant.
Coding change: c.1218A>T on transcript NM_024529.5 (MANE Select); coding-DNA position 1218, A replaced by T.
Protein change: p.Gln406His; replaces glutamine 406 with histidine.
Molecular consequence: missense variant.
Genome position (GRCh38, 1-based): chr1:193,233,056, A>T. VCF-style: chr1-193233056-A-T. GRCh37 (hg19) VCF-style: chr1-193202186-A-T.
Other names: short protein forms Q406H.
Identifiers: ClinVar variation 4868370 (VCV004868370.1).